The following is an entry in ClinVar:

NM_004859.4(CLTC):c.250+4T>C

Gene: CLTC (clathrin heavy chain; plus strand). Cytogenetic location: 17q23.1.
Variant type: single nucleotide variant.
Coding change: c.250+4T>C on transcript NM_004859.4 (MANE Select); 4 bases into the intron after coding-DNA position 250, T replaced by C.
Molecular consequence: intron variant. On other transcripts: missense variant (1).
Genome position (GRCh38, 1-based): chr17:59,644,487, T>C. VCF-style: chr17-59644487-T-C. GRCh37 (hg19) VCF-style: chr17-57721848-T-C.
Other names: c.254T>C, p.Ile85Thr (NM_001288653.2); short protein forms I85T.
Identifiers: ClinVar variation 2855637 (VCV002855637.3), dbSNP rs2509357389, ClinGen allele CA400419210.

ClinVar aggregate classification (germline): Uncertain significance (1 of 4 stars; one submission).

Submission:

Labcorp Genetics (formerly Invitae), Labcorp
Classification: Uncertain significance. Last evaluated: 2023-04-12. Review status: criteria provided, single submitter. Criteria: Invitae Variant Classification Sherloc (09022015). Collection method: clinical testing. Allele origin: germline.
Comment: This variant has not been reported in the literature in individuals affected with CLTC-related conditions. This sequence change replaces isoleucine, which is neutral and non-polar, with threonine, which is neutral and polar, at codon 85 of the CLTC protein (p.Ile85Thr). This variant is not present in population databases (gnomAD no frequency). Experimental studies and prediction algorithms are not available or were not evaluated, and the functional significance of this variant is currently unknown. In summary, the available evidence is currently insufficient to determine the role of this variant in disease. Therefore, it has been classified as a Variant of Uncertain Significance.